The following is an entry in ClinVar:

NM_144666.3(DNHD1):c.8184G>A (p.Glu2728=)

Gene: DNHD1 (dynein heavy chain domain 1; plus strand). Cytogenetic location: 11p15.4.
Variant type: single nucleotide variant.
Coding change: c.8184G>A on transcript NM_144666.3 (MANE Select); coding-DNA position 8184, G replaced by A.
Protein change: p.Glu2728=; no amino-acid change (glutamic acid 2728 retained).
Molecular consequence: synonymous variant.
Genome position (GRCh38, 1-based): chr11:6,557,479, G>A. VCF-style: chr11-6557479-G-A. GRCh37 (hg19) VCF-style: chr11-6578709-G-A.
Identifiers: ClinVar variation 3050345 (VCV003050345.2), dbSNP rs145925138, ClinGen allele CA5856290.

ClinVar aggregate classification (germline): Likely benign (0 of 4 stars; one submission).

Conditions:
DNHD1-related disorder. Also called: DNHD1-related condition.

Allele frequency attached by ClinVar (database versions not stated): 1000 Genomes Project 30x 0.00016; 1000 Genomes Project 0.00020; TOPMed 0.00024; gnomAD 0.00027; gnomAD exomes 0.00031; ExAC 0.00046.
gnomAD v4.1: 478 of 1,551,724 alleles (0.031%); highest among the groups gnomAD compares: Middle Eastern, 0.067%; no homozygotes.

Submission:

PreventionGenetics, part of Exact Sciences
Classification: Likely benign for DNHD1-related condition. Last evaluated: 2019-12-05. Review status: no assertion criteria provided. Collection method: clinical testing. Allele origin: germline.
Comment: This variant is classified as likely benign based on ACMG/AMP sequence variant interpretation guidelines (Richards et al. 2015 PMID: 25741868, with internal and published modifications).